The following is an entry in ClinVar:

ClinVar aggregate classification (germline): Uncertain significance. Review status: criteria provided, multiple submitters, no conflicts (2 of 4 stars). 3 submissions from 3 submitters: Uncertain significance (3). Last evaluated 2026-05-08.

Conditions:
Multiple congenital exostosis (EXT). Also called: MULTIPLE CARTILAGINOUS EXOSTOSES; Hereditary multiple osteochondromas; Multiple exostoses; Hereditary multiple exostoses; Hereditary multiple exostosis; Multiple osteochondromas. Identifiers: Orphanet 321, MedGen C0015306, MONDO:0005508, HP:0002762.
Chondrosarcoma. Also called: Chondrosarcoma, somatic. Identifiers: Orphanet 55880, MedGen C0008479, MONDO:0008977, OMIM 215300, HP:0006765.

gnomAD v4.1: 5 of 1,612,372 alleles (0.00031%); highest among the groups gnomAD compares: Admixed American, 0.0017%; no homozygotes.

Submissions (3):

Women's Health and Genetics/Laboratory Corporation of America, LabCorp
Classification: Uncertain significance. Last evaluated: 2026-05-08. Review status: criteria provided, single submitter. Criteria: LabCorp Variant Classification Summary - May 2015. Collection method: clinical testing. Allele origin: germline.
Comment: Variant summary: EXT1 c.200C>G (p.Pro67Arg) results in a non-conservative amino acid change in the encoded protein sequence. Algorithms developed to predict the effect of missense changes on protein structure and function all suggest that this variant is likely to be disruptive. The variant allele was found at a frequency of 8e-06 in 251242 control chromosomes. The available data on variant occurrences in the general population are insufficient to allow any conclusion about variant significance. To our knowledge, no occurrence of c.200C>G in individuals affected with EXT1-related conditions and no experimental evidence demonstrating its impact on protein function have been reported. ClinVar contains an entry for this variant (Variation ID: 1393207). Based on the evidence outlined above, the variant was classified as uncertain significance.

Labcorp Genetics (formerly Invitae), Labcorp
Classification: Uncertain significance for Multiple congenital exostosis. Last evaluated: 2024-04-15. Review status: criteria provided, single submitter. Criteria: Invitae Variant Classification Sherloc (09022015). Collection method: clinical testing. Allele origin: germline.
Comment: This sequence change replaces proline, which is neutral and non-polar, with arginine, which is basic and polar, at codon 67 of the EXT1 protein (p.Pro67Arg). This variant is present in population databases (rs371817652, gnomAD 0.004%). This variant has not been reported in the literature in individuals affected with EXT1-related conditions. ClinVar contains an entry for this variant (Variation ID: 1393207). Advanced modeling of protein sequence and biophysical properties (such as structural, functional, and spatial information, amino acid conservation, physicochemical variation, residue mobility, and thermodynamic stability) performed at Invitae indicates that this missense variant is not expected to disrupt EXT1 protein function with a negative predictive value of 80%. In summary, the available evidence is currently insufficient to determine the role of this variant in disease. Therefore, it has been classified as a Variant of Uncertain Significance.

Baylor Genetics
Classification: Uncertain significance for Chondrosarcoma. Last evaluated: 2023-08-25. Review status: criteria provided, single submitter. Criteria: ACMG Guidelines, 2015. Collection method: clinical testing. Allele origin: unknown.

NM_000127.3(EXT1):c.200C>G (p.Pro67Arg)

Gene: EXT1 (exostosin glycosyltransferase 1; minus strand). Cytogenetic location: 8q24.11.
Variant type: single nucleotide variant.
Coding change: c.200C>G on transcript NM_000127.3 (MANE Select); coding-DNA position 200, C replaced by G.
Protein change: p.Pro67Arg; replaces proline 67 with arginine.
Molecular consequence: missense variant.
Genome position (GRCh38, 1-based): chr8:118,110,847, G>C on the plus strand (C>G on the coding strand, the complement: EXT1 is on the minus strand). VCF-style: chr8-118110847-G-C. GRCh37 (hg19) VCF-style: chr8-119123086-G-C.
Other names: short protein forms P67R.
Identifiers: ClinVar variation 1393207 (VCV001393207.10), dbSNP rs371817652, ClinGen allele CA4854397.
Genomic context (GRCh38, chr8:118,110,847, plus strand): 5'-TCTCGCTTCTGCCGGGGGGAAATGTGCACGCTGGAATCCTCGTTTTCCAATTGATCCCAA[G>C]GAACGAAGGGGCGCAGAGCGTCCGGGAAGCGGGGCCAGAAATGATCCGGACTGGGGTGGT-3'
Protein context (NP_000118.2, residues 57-77): RFPDALRPFV[Pro67Arg]WDQLENEDSS